The following is an entry in ClinVar:

NM_002863.5(PYGL):c.414G>A (p.Gly138=)

Gene: PYGL (glycogen phosphorylase L; minus strand). Cytogenetic location: 14q22.1.
Variant type: single nucleotide variant.
Coding change: c.414G>A on transcript NM_002863.5 (MANE Select); coding-DNA position 414, G replaced by A.
Protein change: p.Gly138=; no amino-acid change (glycine 138 retained).
Molecular consequence: synonymous variant.
Genome position (GRCh38, 1-based): chr14:50,935,117, C>T on the plus strand (G>A on the coding strand, the complement: PYGL is on the minus strand). VCF-style: chr14-50935117-C-T. GRCh37 (hg19) VCF-style: chr14-51401835-C-T.
Other names: c.312G>A, p.Gly104= (NM_001163940.2).
Identifiers: ClinVar variation 3050890 (VCV003050890.2), dbSNP rs1297082606, ClinGen allele CA486385454.

ClinVar aggregate classification (germline): Likely benign (0 of 4 stars; one submission).

Conditions:
PYGL-related disorder. Also called: PYGL-related condition.

Submission:

PreventionGenetics, part of Exact Sciences
Classification: Likely benign for PYGL-related condition. Last evaluated: 2020-10-21. Review status: no assertion criteria provided. Collection method: clinical testing. Allele origin: germline.
Comment: This variant is classified as likely benign based on ACMG/AMP sequence variant interpretation guidelines (Richards et al. 2015 PMID: 25741868, with internal and published modifications).